The following is an entry in ClinVar:

ClinVar aggregate classification (germline): Uncertain significance (1 of 4 stars; one submission).

Conditions:
Bethlem myopathy 1A. Also called: Bethlem myopathy 1; MYOPATHY, BENIGN CONGENITAL, WITH CONTRACTURES; Bethlem Muscular Dystrophy. Identifiers: Orphanet 610, MedGen CN029274, MONDO:0024530, OMIM 158810.

Submission:

Labcorp Genetics (formerly Invitae), Labcorp
Classification: Uncertain significance for Bethlem myopathy 1A. Last evaluated: 2022-12-26. Review status: criteria provided, single submitter. Criteria: Invitae Variant Classification Sherloc (09022015). Collection method: clinical testing. Allele origin: germline.
Comment: In summary, the available evidence is currently insufficient to determine the role of this variant in disease. Therefore, it has been classified as a Variant of Uncertain Significance. Advanced modeling of protein sequence and biophysical properties (such as structural, functional, and spatial information, amino acid conservation, physicochemical variation, residue mobility, and thermodynamic stability) has been performed at Invitae for this missense variant, however the output from this modeling did not meet the statistical confidence thresholds required to predict the impact of this variant on COL6A2 protein function. This variant has not been reported in the literature in individuals affected with COL6A2-related conditions. This variant is not present in population databases (gnomAD no frequency). This sequence change replaces lysine, which is basic and polar, with asparagine, which is neutral and polar, at codon 432 of the COL6A2 protein (p.Lys432Asn).

NM_001849.4(COL6A2):c.1296G>C (p.Lys432Asn)

Gene: COL6A2 (collagen type VI alpha 2 chain; plus strand). Cytogenetic location: 21q22.3.
Variant type: single nucleotide variant.
Coding change: c.1296G>C on transcript NM_001849.4 (MANE Select); coding-DNA position 1296, G replaced by C.
Protein change: p.Lys432Asn; replaces lysine 432 with asparagine.
Molecular consequence: missense variant.
Genome position (GRCh38, 1-based): chr21:46,119,814, G>C. VCF-style: chr21-46119814-G-C. GRCh37 (hg19) VCF-style: chr21-47539728-G-C.
Other names: c.1296G>C, p.Lys432Asn (NM_058174.3, NM_058175.3); short protein forms K432N.
Identifiers: ClinVar variation 2778190 (VCV002778190.3), dbSNP rs2517003326, ClinGen allele CA410530384.